The following is an entry in ClinVar:

ClinVar aggregate classification (germline): Likely benign (1 of 4 stars; one submission).

Allele frequency attached by ClinVar (database versions not stated): gnomAD 0.01228 and 0.01325; 1000 Genomes Project 30x 0.01290; 1000 Genomes Project 0.01298; TOPMed 0.01464.
gnomAD v4.1: 1,357 of 111,238 alleles (1.2%); highest among the groups gnomAD compares: African/African-American, 4.2%; 24 homozygotes.

Submission:

GeneDx
Classification: Likely benign. Last evaluated: 2018-06-18. Review status: criteria provided, single submitter. Criteria: GeneDx Variant Classification (06012015). Collection method: clinical testing. Allele origin: germline. Affected: yes.
Comment: This variant is considered likely benign or benign based on one or more of the following criteria: it is a conservative change, it occurs at a poorly conserved position in the protein, it is predicted to be benign by multiple in silico algorithms, and/or has population frequency not consistent with disease.

NM_004006.3(DMD):c.9224+9024C>T

Gene: DMD (dystrophin; minus strand). Cytogenetic location: Xp21.2.
Variant type: single nucleotide variant.
Coding change: c.9224+9024C>T on transcript NM_004006.3 (MANE Select); 9024 bases into the intron after coding-DNA position 9224, C replaced by T.
Molecular consequence: intron variant.
Genome position (GRCh38, 1-based): chrX:31,314,574, G>A on the plus strand (C>T on the coding strand, the complement: DMD is on the minus strand). VCF-style: chrX-31314574-G-A. GRCh37 (hg19) VCF-style: chrX-31332691-G-A.
Other names: c.9200+9024C>T (NM_000109.4); c.5201+9024C>T (NM_004011.4); c.5192+9024C>T (NM_004012.4); c.1844+9024C>T (NM_004023.3, NM_004020.4, NM_004022.3 and 2 more transcripts); c.1037+9024C>T (NM_004014.3); c.9212+9024C>T (NM_004009.3); c.8855+9024C>T (NM_004010.3).
Identifiers: ClinVar variation 668551 (VCV000668551.1), dbSNP rs140677793, ClinGen allele CA328417157.